The following is an entry in ClinVar:

ClinVar aggregate classification (germline): Uncertain significance. Review status: criteria provided, multiple submitters, no conflicts (2 of 4 stars). 2 submissions from 2 submitters: Uncertain significance (2). Last evaluated 2025-03-13.

Conditions:
Inborn genetic diseases. Identifiers: MedGen C0950123, MeSH D030342.

Allele frequency attached by ClinVar (database versions not stated): gnomAD exomes 0.00001.
gnomAD v4.1: 8 of 1,613,250 alleles (0.0005%); highest among the groups gnomAD compares: Non-Finnish European, 0.00068%; no homozygotes.

Submissions (2):

Labcorp Genetics (formerly Invitae), Labcorp
Classification: Uncertain significance. Last evaluated: 2025-03-13. Review status: criteria provided, single submitter. Criteria: Invitae Variant Classification Sherloc (09022015). Collection method: clinical testing. Allele origin: germline.
Comment: This sequence change replaces valine, which is neutral and non-polar, with glycine, which is neutral and non-polar, at codon 152 of the INTU protein (p.Val152Gly). This variant is present in population databases (rs554977722, gnomAD 0.002%). This variant has not been reported in the literature in individuals affected with INTU-related conditions. ClinVar contains an entry for this variant (Variation ID: 2988220). Invitae Evidence Modeling of protein sequence and biophysical properties (such as structural, functional, and spatial information, amino acid conservation, physicochemical variation, residue mobility, and thermodynamic stability) indicates that this missense variant is not expected to disrupt INTU protein function with a negative predictive value of 80%. In summary, the available evidence is currently insufficient to determine the role of this variant in disease. Therefore, it has been classified as a Variant of Uncertain Significance.

Ambry Genetics
Classification: Uncertain significance for Inborn genetic diseases. Last evaluated: 2025-02-01. Review status: criteria provided, single submitter. Criteria: Ambry Variant Classification Scheme 2023. Collection method: clinical testing. Allele origin: germline.

NM_015693.4(INTU):c.455T>G (p.Val152Gly)

Gene: INTU (inturned planar cell polarity protein; plus strand). Cytogenetic location: 4q28.1.
Variant type: single nucleotide variant.
Coding change: c.455T>G on transcript NM_015693.4 (MANE Select); coding-DNA position 455, T replaced by G.
Protein change: p.Val152Gly; replaces valine 152 with glycine.
Molecular consequence: missense variant.
Genome position (GRCh38, 1-based): chr4:127,643,829, T>G. VCF-style: chr4-127643829-T-G. GRCh37 (hg19) VCF-style: chr4-128564984-T-G.
Other names: c.455T>G (NM_015693.3); short protein forms V152G.
Identifiers: ClinVar variation 2988220 (VCV002988220.4), dbSNP rs554977722, ClinGen allele CA105646320.
Genomic context (GRCh38, chr4:127,643,829, plus strand): 5'-ATAGCAATGACAATGGACCAGTATCCATTCTAAAGCATCAGTCCAATCAGAAGACAGGAG[T>G]CATTGTCCAACAGCGATACAAAGATGTGAATGTTTATGTAAACCCCAAAAAGCTAACTGT-3'
Protein context (NP_056508.2, residues 142-162): LKHQSNQKTG[Val152Gly]IVQQRYKDVN